The following is an entry in ClinVar:

NM_020223.4(FAM20C):c.1247A>C (p.Lys416Thr)

Gene: FAM20C (FAM20C golgi associated secretory pathway kinase; plus strand). Cytogenetic location: 7p22.3.
Variant type: single nucleotide variant.
Coding change: c.1247A>C on transcript NM_020223.4 (MANE Select); coding-DNA position 1247, A replaced by C.
Protein change: p.Lys416Thr; replaces lysine 416 with threonine.
Molecular consequence: missense variant.
Genome position (GRCh38, 1-based): chr7:256,023, A>C. VCF-style: chr7-256023-A-C. GRCh37 (hg19) VCF-style: chr7-295989-A-C.
Other names: c.1247A>C (NM_020223.2); short protein forms K416T.
Identifiers: ClinVar variation 1477044 (VCV001477044.6), dbSNP rs923417798, ClinGen allele CA152282347.

ClinVar aggregate classification (germline): Uncertain significance. Review status: criteria provided, multiple submitters, no conflicts (2 of 4 stars). 2 submissions from 2 submitters: Uncertain significance (2). Last evaluated 2025-08-30.

Conditions:
Inborn genetic diseases. Identifiers: MedGen C0950123, MeSH D030342.

Allele frequency attached by ClinVar (database versions not stated): gnomAD exomes below 0.00001 and 0.00001; gnomAD 0.00003; TOPMed 0.00005.
gnomAD v4.1: 9 of 1,535,460 alleles (0.00059%); highest among the groups gnomAD compares: Admixed American, 0.0079%; no homozygotes.

Submissions (2):

Ambry Genetics
Classification: Uncertain significance for Inborn genetic diseases. Last evaluated: 2025-08-30. Review status: criteria provided, single submitter. Criteria: Ambry Variant Classification Scheme 2023. Collection method: clinical testing. Allele origin: germline.

Labcorp Genetics (formerly Invitae), Labcorp
Classification: Uncertain significance. Last evaluated: 2022-08-21. Review status: criteria provided, single submitter. Criteria: Invitae Variant Classification Sherloc (09022015). Collection method: clinical testing. Allele origin: germline.
Comment: This sequence change replaces lysine, which is basic and polar, with threonine, which is neutral and polar, at codon 416 of the FAM20C protein (p.Lys416Thr). This variant is present in population databases (no rsID available, gnomAD 0.004%). This variant has not been reported in the literature in individuals affected with FAM20C-related conditions. ClinVar contains an entry for this variant (Variation ID: 1477044). Algorithms developed to predict the effect of missense changes on protein structure and function are either unavailable or do not agree on the potential impact of this missense change (SIFT: "Deleterious"; PolyPhen-2: "Possibly Damaging"; Align-GVGD: "Class C0"). In summary, the available evidence is currently insufficient to determine the role of this variant in disease. Therefore, it has been classified as a Variant of Uncertain Significance.